The following is an entry in ClinVar:

NM_032538.3(TTBK1):c.3798C>A (p.Ala1266=)

Gene: TTBK1 (tau tubulin kinase 1; plus strand). Cytogenetic location: 6p21.1.
Variant type: single nucleotide variant.
Coding change: c.3798C>A on transcript NM_032538.3 (MANE Select); coding-DNA position 3798, C replaced by A.
Protein change: p.Ala1266=; no amino-acid change (alanine 1266 retained).
Molecular consequence: synonymous variant.
Genome position (GRCh38, 1-based): chr6:43,285,208, C>A. VCF-style: chr6-43285208-C-A. GRCh37 (hg19) VCF-style: chr6-43252946-C-A.
Identifiers: ClinVar variation 3772417 (VCV003772417.13).

ClinVar aggregate classification (germline): Likely benign (1 of 4 stars; one submission).

Submission:

CeGaT Center for Human Genetics Tuebingen
Classification: Likely benign. Last evaluated: 2025-02-01. Review status: criteria provided, single submitter. Criteria: CeGaT Center For Human Genetics Tuebingen Variant Classification Criteria Version 2. Collection method: clinical testing. Allele origin: germline. Affected: yes. Observed: 2 variant alleles.
Comment: TTBK1: PM2:Supporting, BP4, BP7